The following is an entry in ClinVar:

NM_000038.6(APC):c.6244G>C (p.Asp2082His)

Gene: APC (APC regulator of Wnt signaling pathway; plus strand). Cytogenetic location: 5q22.2.
Variant type: single nucleotide variant.
Coding change: c.6244G>C on transcript NM_000038.6 (MANE Select); coding-DNA position 6244, G replaced by C.
Protein change: p.Asp2082His; replaces aspartic acid 2082 with histidine.
Molecular consequence: missense variant.
Genome position (GRCh38, 1-based): chr5:112,841,838, G>C. VCF-style: chr5-112841838-G-C. GRCh37 (hg19) VCF-style: chr5-112177535-G-C.
Other names: c.6244G>C, p.Asp2082His (NM_001127510.3, NM_001354895.2); c.6190G>C, p.Asp2064His (NM_001127511.3); c.6298G>C, p.Asp2100His (NM_001354896.2); c.6274G>C, p.Asp2092His (NM_001354897.2); c.6169G>C, p.Asp2057His (NM_001354898.2); c.6160G>C, p.Asp2054His (NM_001354899.2); c.6121G>C, p.Asp2041His (NM_001354900.2); c.6067G>C, p.Asp2023His (NM_001354901.2); and 5 more; short protein forms D1922H, D2041H, D2082H, D1956H, D1981H, D1799H, D2023H, D2054H.
Identifiers: ClinVar variation 638951 (VCV000638951.49), dbSNP rs1580668964, ClinGen allele CA16035007.

ClinVar aggregate classification (germline): Uncertain significance. Review status: criteria provided, multiple submitters, no conflicts (2 of 4 stars). 3 submissions from 3 submitters: Uncertain significance (3). Last evaluated 2025-03-02.

Conditions:
Familial adenomatous polyposis 1 (FAP1). Also called: POLYPOSIS, ADENOMATOUS INTESTINAL; FAMILIAL ADENOMATOUS POLYPOSIS 1, ATTENUATED. Identifiers: MedGen C2713442, MONDO:0021056, OMIM 175100. Disease mechanism: loss of function.
Hereditary cancer-predisposing syndrome. Also called: Neoplastic Syndromes, Hereditary; Tumor predisposition; Hereditary Cancer Syndrome; Hereditary neoplastic syndrome. Identifiers: Orphanet 140162, MedGen C0027672, MeSH D009386, MONDO:0015356.

Submissions (3):

Labcorp Genetics (formerly Invitae), Labcorp
Classification: Uncertain significance for Familial adenomatous polyposis 1. Last evaluated: 2025-03-02. Review status: criteria provided, single submitter. Criteria: Invitae Variant Classification Sherloc (09022015). Collection method: clinical testing. Allele origin: germline.
Comment: This sequence change replaces aspartic acid, which is acidic and polar, with histidine, which is basic and polar, at codon 2082 of the APC protein (p.Asp2082His). This variant is not present in population databases (gnomAD no frequency). This variant has not been reported in the literature in individuals affected with APC-related conditions. ClinVar contains an entry for this variant (Variation ID: 638951). Invitae Evidence Modeling of protein sequence and biophysical properties (such as structural, functional, and spatial information, amino acid conservation, physicochemical variation, residue mobility, and thermodynamic stability) indicates that this missense variant is not expected to disrupt APC protein function with a negative predictive value of 95%. In summary, the available evidence is currently insufficient to determine the role of this variant in disease. Therefore, it has been classified as a Variant of Uncertain Significance.

Ambry Genetics
Classification: Uncertain significance for Hereditary cancer-predisposing syndrome. Last evaluated: 2024-03-23. Review status: criteria provided, single submitter. Criteria: Ambry Variant Classification Scheme 2023. Collection method: clinical testing. Allele origin: germline.
Comment: The p.D2082H variant (also known as c.6244G>C), located in coding exon 15 of the APC gene, results from a G to C substitution at nucleotide position 6244. The aspartic acid at codon 2082 is replaced by histidine, an amino acid with similar properties. This amino acid position is conserved. In addition, in silico predictors for this gene do not accurately predict pathogenicity. Based on the available evidence, the clinical significance of this alteration remains unclear.

Sema4
Classification: Uncertain significance for Hereditary cancer-predisposing syndrome. Last evaluated: 2021-12-22. Review status: criteria provided, single submitter. Criteria: Sema4 Curation Guidelines. Collection method: curation. Allele origin: germline.
Comment: The APC c.6244G>C (p.D2082H) variant has not been reported in the literature to our knowledge. It was not observed in the large and broad cohorts of the Genome Aggregation Database (PMID: 32461654). This variant has been reported in ClinVar (Variation ID 638951). Functional studies have not been performed, and in silico predictions of the variant's effect on protein function are inconclusive. The evidence is insufficient to meet ACMG/AMP criteria for classifying the variant as benign or pathogenic. Thus, the clinical significance of this variant is currently uncertain.